The following is an entry in ClinVar:

NM_000301.5(PLG):c.264G>A (p.Met88Ile)

Gene: PLG (plasminogen; plus strand). Cytogenetic location: 6q26.
Variant type: single nucleotide variant.
Coding change: c.264G>A on transcript NM_000301.5 (MANE Select); coding-DNA position 264, G replaced by A.
Protein change: p.Met88Ile; replaces methionine 88 with isoleucine.
Molecular consequence: missense variant.
Genome position (GRCh38, 1-based): chr6:160,707,778, G>A. VCF-style: chr6-160707778-G-A. GRCh37 (hg19) VCF-style: chr6-161128810-G-A.
Other names: c.264G>A, p.Met88Ile (NM_001168338.1); short protein forms M88I.
Identifiers: ClinVar variation 2701205 (VCV002701205.6), dbSNP rs189824042, ClinGen allele CA151262263.

ClinVar aggregate classification (germline): Uncertain significance. Review status: criteria provided, multiple submitters, no conflicts (2 of 4 stars). 4 submissions from 4 submitters: Uncertain significance (4). Last evaluated 2025-11-27.

Conditions:
Inborn genetic diseases. Identifiers: MedGen C0950123, MeSH D030342.
Plasminogen deficiency, type I. Also called: Type 1 plasminogen deficiency; Hypoplasminogenemia. Identifiers: Orphanet 722, MedGen C1968804, MONDO:0009009, OMIM 217090.
Angioedema, hereditary, 4. Identifiers: MedGen C5543503, MONDO:0025712, OMIM 619360.

Allele frequency attached by ClinVar (database versions not stated): gnomAD 0.00003; 1000 Genomes Project 0.00020; 1000 Genomes Project 30x 0.00031; TOPMed 0.00004; gnomAD exomes 0.00005.
gnomAD v4.1: 78 of 1,611,460 alleles (0.0048%); highest among the groups gnomAD compares: Non-Finnish European, 0.0063%; no homozygotes.

Submissions (4):

Labcorp Genetics (formerly Invitae), Labcorp
Classification: Uncertain significance. Last evaluated: 2025-11-27. Review status: criteria provided, single submitter. Criteria: Invitae Variant Classification Sherloc (09022015). Collection method: clinical testing. Allele origin: germline.
Comment: This sequence change replaces methionine, which is neutral and non-polar, with isoleucine, which is neutral and non-polar, at codon 88 of the PLG protein (p.Met88Ile). This variant is present in population databases (rs189824042, gnomAD 0.002%). This variant has not been reported in the literature in individuals affected with PLG-related conditions. ClinVar contains an entry for this variant (Variation ID: 2701205). Invitae Evidence Modeling of protein sequence and biophysical properties (such as structural, functional, and spatial information, amino acid conservation, physicochemical variation, residue mobility, and thermodynamic stability) indicates that this missense variant is not expected to disrupt PLG protein function with a negative predictive value of 95%. In summary, the available evidence is currently insufficient to determine the role of this variant in disease. Therefore, it has been classified as a Variant of Uncertain Significance.

Ambry Genetics
Classification: Uncertain significance for Inborn genetic diseases. Last evaluated: 2025-02-01. Review status: criteria provided, single submitter. Criteria: Ambry Variant Classification Scheme 2023. Collection method: clinical testing. Allele origin: germline.

Women's Health and Genetics/Laboratory Corporation of America, LabCorp
Classification: Uncertain significance. Last evaluated: 2024-07-24. Review status: criteria provided, single submitter. Criteria: LabCorp Variant Classification Summary - May 2015. Collection method: clinical testing. Allele origin: germline.
Comment: Variant summary: PLG c.264G>A (p.Met88Ile) results in a conservative amino acid change located in the PAN/Apple domain (IPR003609) of the encoded protein sequence. Five of five in-silico tools predict a benign effect of the variant on protein function. The variant allele was found at a frequency of 1.2e-05 in 251098 control chromosomes. The available data on variant occurrences in the general population are insufficient to allow any conclusion about variant significance. To our knowledge, no occurrence of c.264G>A in individuals affected with Plasminogen Deficiency and no experimental evidence demonstrating its impact on protein function have been reported. ClinVar contains an entry for this variant (Variation ID: 2701205). Based on the evidence outlined above, the variant was classified as uncertain significance.

Fulgent Genetics
Classification: Uncertain significance for Plasminogen deficiency, type I; Angioedema, hereditary, 4. Last evaluated: 2024-05-20. Review status: criteria provided, single submitter. Criteria: ACMG Guidelines, 2015. Collection method: clinical testing. Allele origin: germline.